The following is an entry in ClinVar:

NM_002335.4(LRP5):c.2464G>A (p.Asp822Asn)

Gene: LRP5 (LDL receptor related protein 5; plus strand). Cytogenetic location: 11q13.2.
Variant type: single nucleotide variant.
Coding change: c.2464G>A on transcript NM_002335.4 (MANE Select); coding-DNA position 2464, G replaced by A.
Protein change: p.Asp822Asn; replaces aspartic acid 822 with asparagine.
Molecular consequence: missense variant.
Genome position (GRCh38, 1-based): chr11:68,411,581, G>A. VCF-style: chr11-68411581-G-A. GRCh37 (hg19) VCF-style: chr11-68179049-G-A.
Other names: c.721G>A, p.Asp241Asn (NM_001291902.2); short protein forms D241N, D822N.
Identifiers: ClinVar variation 1957885 (VCV001957885.5), dbSNP rs1388571506, ClinGen allele CA381617276.

ClinVar aggregate classification (germline): Uncertain significance (1 of 4 stars; one submission).

Allele frequency attached by ClinVar (database versions not stated): gnomAD 0.00001; gnomAD exomes below 0.00001.
gnomAD v4.1: 2 of 1,613,320 alleles (0.00012%); highest among the groups gnomAD compares: Non-Finnish European, 0.00017%; no homozygotes.

Submission:

Labcorp Genetics (formerly Invitae), Labcorp
Classification: Uncertain significance. Last evaluated: 2025-07-06. Review status: criteria provided, single submitter. Criteria: Invitae Variant Classification Sherloc (09022015). Collection method: clinical testing. Allele origin: germline.
Comment: This sequence change replaces aspartic acid, which is acidic and polar, with asparagine, which is neutral and polar, at codon 822 of the LRP5 protein (p.Asp822Asn). This variant is present in population databases (no rsID available, gnomAD 0.0009%). This variant has not been reported in the literature in individuals affected with LRP5-related conditions. ClinVar contains an entry for this variant (Variation ID: 1957885). Invitae Evidence Modeling of protein sequence and biophysical properties (such as structural, functional, and spatial information, amino acid conservation, physicochemical variation, residue mobility, and thermodynamic stability) indicates that this missense variant is expected to disrupt LRP5 protein function with a positive predictive value of 95%. In summary, the available evidence is currently insufficient to determine the role of this variant in disease. Therefore, it has been classified as a Variant of Uncertain Significance.